The following is an entry in ClinVar:

ClinVar aggregate classification (germline): Uncertain significance (1 of 4 stars; one submission).

Submission:

GeneDx
Classification: Uncertain significance. Last evaluated: 2026-02-19. Review status: criteria provided, single submitter. Criteria: GeneDx Variant Classification Process June 2021. Collection method: clinical testing. Allele origin: germline.
Comment: Not observed at significant frequency in large population cohorts (gnomAD); In silico analysis supports that this missense variant has a deleterious effect on protein structure/function; Has not been previously published as pathogenic or benign to our knowledge

NM_001100913.3(PACS2):c.111C>G (p.Cys37Trp)

Genes: BRF1 (BRF1 general transcription factor IIIB subunit; minus strand), PACS2 (phosphofurin acidic cluster sorting protein 2; plus strand), LOC130056677 (ATAC-STARR-seq lymphoblastoid silent region 6228; plus strand). Cytogenetic location: 14q32.33.
Variant type: single nucleotide variant.
Coding change: c.111C>G on transcript NM_001100913.3 (MANE Select); coding-DNA position 111, C replaced by G.
Protein change: p.Cys37Trp; replaces cysteine 37 with tryptophan.
Molecular consequence: missense variant. On other transcripts: intron variant (4).
Genome position (GRCh38, 1-based): chr14:105,315,029, C>G. VCF-style: chr14-105315029-C-G. GRCh37 (hg19) VCF-style: chr14-105781366-C-G.
Other names: c.111C>G, p.Cys37Trp (NM_015197.4); c.-162+293G>C (NM_001440451.1, NM_001242787.2, NM_001242786.2); c.-83+14050C>G (NM_001243127.3); short protein forms C37W.
Identifiers: ClinVar variation 4528223 (VCV004528223.2).
Genomic context (GRCh38, chr14:105,315,029, plus strand): 5'-CACGCCCGTGCCCATGAACCTGTTCGCCACCTGGGAGGTGGACGGCTCCAGCCCCAGCTG[C>G]GTGCCCAGGTACGCGCCGCCCGCCGCGCTTTGTTCCCGCCGGGCACCTGCTGGGGGTGTC-3'
Protein context (NP_001094383.2, residues 27-47): TWEVDGSSPS[Cys37Trp]VPRLCSLTLK